The following is an entry in ClinVar:

ClinVar aggregate classification (germline): Benign. Review status: criteria provided, multiple submitters, no conflicts (2 of 4 stars). 5 submissions from 5 submitters: Benign (4). 1 of the submissions does not count toward it. Last evaluated 2026-02-03.

Conditions:
Neuronal ceroid lipofuscinosis. Also called: Neuronal Ceroid Lipofuscinoses. Identifiers: Orphanet 216, Orphanet 79263, MedGen C0027877, MONDO:0016295. Disease mechanism: loss of function.

Allele frequency attached by ClinVar (database versions not stated): gnomAD exomes 0.01561; ExAC 0.01941; 1000 Genomes Project 0.06629; gnomAD 0.06731; ESP Exome Variant Server 0.06737; TOPMed 0.06952; 1000 Genomes Project 30x 0.07011.
gnomAD v4.1: 18,243 of 1,576,698 alleles (1.2%); highest among the groups gnomAD compares: African/African-American, 22%; 1,800 homozygotes.

Submissions (5):

Labcorp Genetics (formerly Invitae), Labcorp
Classification: Benign for Neuronal ceroid lipofuscinosis. Last evaluated: 2026-02-03. Review status: criteria provided, single submitter. Criteria: Invitae Variant Classification Sherloc (09022015). Collection method: clinical testing. Allele origin: germline.

GeneDx
Classification: Benign. Last evaluated: 2012-03-06. Review status: criteria provided, single submitter. Criteria: GeneDx Variant Classification (06012015). Collection method: clinical testing. Allele origin: germline. Affected: yes.
Comment: This variant is considered likely benign or benign based on one or more of the following criteria: it is a conservative change, it occurs at a poorly conserved position in the protein, it is predicted to be benign by multiple in silico algorithms, and/or has population frequency not consistent with disease.

Breakthrough Genomics
Classification: Benign. Review status: criteria provided, single submitter. Criteria: ACMG Guidelines, 2015. Collection method: not provided. Allele origin: germline. Inheritance: Autosomal recessive inheritance. Affected: yes.

PreventionGenetics, part of Exact Sciences
Classification: Benign. Review status: criteria provided, single submitter. Criteria: ACMG Guidelines, 2015. Collection method: clinical testing. Allele origin: germline.

Mayo Clinic Laboratories, Mayo Clinic
Classification: Benign. Last evaluated: 2017-04-25. Review status: no assertion criteria provided. Collection method: clinical testing. Allele origin: unknown. Not counted in ClinVar's aggregate classification.

NM_001909.5(CTSD):c.353-17C>T

Gene: CTSD (cathepsin D; minus strand). Cytogenetic location: 11p15.5.
Variant type: single nucleotide variant.
Coding change: c.353-17C>T on transcript NM_001909.5 (MANE Select); 17 bases into the intron before coding-DNA position 353, C replaced by T.
Molecular consequence: intron variant.
Genome position (GRCh38, 1-based): chr11:1,759,104, G>A on the plus strand (C>T on the coding strand, the complement: CTSD is on the minus strand). VCF-style: chr11-1759104-G-A. GRCh37 (hg19) VCF-style: chr11-1780334-G-A.
Identifiers: ClinVar variation 137054 (VCV000137054.14), dbSNP rs7126177, ClinGen allele CA290548.